The following is an entry in ClinVar:

NM_001253697.2(ERBIN):c.3241T>C (p.Ser1081Pro)

Gene: ERBIN (erbb2 interacting protein; plus strand). Cytogenetic location: 5q12.3.
Variant type: single nucleotide variant.
Coding change: c.3241T>C on transcript NM_001253697.2 (MANE Select); coding-DNA position 3241, T replaced by C.
Protein change: p.Ser1081Pro; replaces serine 1081 with proline.
Molecular consequence: missense variant.
Genome position (GRCh38, 1-based): chr5:66,054,559, T>C. VCF-style: chr5-66054559-T-C. GRCh37 (hg19) VCF-style: chr5-65350387-T-C.
Other names: c.3241T>C, p.Ser1081Pro (NM_001006600.3, NM_001253698.2, NM_001253699.2 and 1 more transcripts); c.3229T>C, p.Ser1077Pro (NM_001253701.2); short protein forms S1081P, S1077P.
Identifiers: ClinVar variation 1995131 (VCV001995131.4), dbSNP rs2546815387, ClinGen allele CA359869330.
Genomic context (GRCh38, chr5:66,054,559, plus strand): 5'-CCAAACGACCGACTTATTCCTGCAGTAACTCGAAGTACAATCCAGCGACAAAGTAGTGTG[T>C]CCTCCACAGCCTCTGTAAATCTTGGTGATCCAGGCTCTACAAGGCGGGCTCAGATTCCTG-3'
Protein context (NP_001240626.1, residues 1071-1091): RSTIQRQSSV[Ser1081Pro]STASVNLGDP

ClinVar aggregate classification (germline): Uncertain significance (1 of 4 stars; one submission).

Submission:

Labcorp Genetics (formerly Invitae), Labcorp
Classification: Uncertain significance. Last evaluated: 2022-05-16. Review status: criteria provided, single submitter. Criteria: Invitae Variant Classification Sherloc (09022015). Collection method: clinical testing. Allele origin: germline.
Comment: In summary, the available evidence is currently insufficient to determine the role of this variant in disease. Therefore, it has been classified as a Variant of Uncertain Significance. Algorithms developed to predict the effect of missense changes on protein structure and function are either unavailable or do not agree on the potential impact of this missense change (SIFT: "Deleterious"; PolyPhen-2: "Probably Damaging"; Align-GVGD: "Class C0"). This variant has not been reported in the literature in individuals affected with ERBIN-related conditions. This variant is not present in population databases (gnomAD no frequency). This sequence change replaces serine, which is neutral and polar, with proline, which is neutral and non-polar, at codon 1081 of the ERBIN protein (p.Ser1081Pro).